The following is an entry in ClinVar:

NC_000016.9:g.(?_77317853)_(77396181_?)dup

Gene: ADAMTS18 (ADAM metallopeptidase with thrombospondin type 1 motif 18; minus strand). Cytogenetic location: 16q23.1.
Variant type: Duplication.
Identifiers: ClinVar variation 2427676 (VCV002427676.4).

ClinVar aggregate classification (germline): Uncertain significance (1 of 4 stars; one submission).

Submission:

Labcorp Genetics (formerly Invitae), Labcorp
Classification: Uncertain significance. Last evaluated: 2022-05-21. Review status: criteria provided, single submitter. Criteria: Invitae Variant Classification Sherloc (09022015). Collection method: clinical testing. Allele origin: germline.
Comment: In summary, the available evidence is currently insufficient to determine the role of this variant in disease. Therefore, it has been classified as a Variant of Uncertain Significance. This variant has not been reported in the literature in individuals affected with ADAMTS18-related conditions. This variant results in a copy number gain of the genomic region encompassing exon(s) 7-23 of the ADAMTS18 gene. This region includes the termination codon of the gene. This copy number gain extends beyond the assayed region for this gene and therefore may encompass additional genes. As the precise location of this event is unknown, it may be in tandem or it may be located elsewhere in the genome.